The following is an entry in ClinVar:

ClinVar aggregate classification (germline): Uncertain significance (1 of 4 stars; one submission).

Allele frequency attached by ClinVar (database versions not stated): gnomAD 0.00002; TOPMed 0.00004.

Submission:

Labcorp Genetics (formerly Invitae), Labcorp
Classification: Uncertain significance. Last evaluated: 2021-06-24. Review status: criteria provided, single submitter. Criteria: Invitae Variant Classification Sherloc (09022015). Collection method: clinical testing. Allele origin: germline.
Comment: In summary, the available evidence is currently insufficient to determine the role of this variant in disease. Therefore, it has been classified as a Variant of Uncertain Significance. Algorithms developed to predict the effect of missense changes on protein structure and function are either unavailable or do not agree on the potential impact of this missense change (SIFT: "Deleterious"; PolyPhen-2: "Probably Damaging"; Align-GVGD: "Class C0"). This variant has not been reported in the literature in individuals with DGKZ-related conditions. This variant is not present in population databases (ExAC no frequency). This sequence change replaces alanine with threonine at codon 1019 of the DGKZ protein (p.Ala1019Thr). The alanine residue is moderately conserved and there is a small physicochemical difference between alanine and threonine.

NM_001199267.2(DGKZ):c.2488G>A (p.Ala830Thr)

Gene: DGKZ (diacylglycerol kinase zeta; plus strand). Cytogenetic location: 11p11.2.
Variant type: single nucleotide variant.
Coding change: c.2488G>A on transcript NM_001199267.2 (MANE Select); coding-DNA position 2488, G replaced by A.
Protein change: p.Ala830Thr; replaces alanine 830 with threonine.
Molecular consequence: missense variant.
Genome position (GRCh38, 1-based): chr11:46,379,063, G>A. VCF-style: chr11-46379063-G-A. GRCh37 (hg19) VCF-style: chr11-46400613-G-A.
Other names: c.3055G>A, p.Ala1019Thr (NM_001105540.2); c.2491G>A, p.Ala831Thr (NM_001199266.2, NM_003646.4); c.2422G>A, p.Ala808Thr (NM_001199268.2); c.2539G>A, p.Ala847Thr (NM_201532.3); c.2503G>A, p.Ala835Thr (NM_201533.3); short protein forms A1019T, A830T, A808T, A831T, A835T, A847T.
Identifiers: ClinVar variation 1496600 (VCV001496600.8), dbSNP rs1025051699, ClinGen allele CA221611834.
Genomic context (GRCh38, chr11:46,379,063, plus strand): 5'-CACCGAGCTGGGGGCGACCTCATGCACCGAGACGAGCAGAGTCGCACGCTCCTGCACCAC[G>A]CAGTCAGCACTGGCAGCAAGGATGTGGTCCGCTACCTGCTGGACCACGGTGAGCCGGGCA-3'
Protein context (NP_001186196.1, residues 820-840): DEQSRTLLHH[Ala830Thr]VSTGSKDVVR